The following is an entry in ClinVar:

NM_001368894.2(PAX6):c.1179A>C (p.Thr393=)

Gene: PAX6 (paired box 6; minus strand). Cytogenetic location: 11p13.
Variant type: single nucleotide variant.
Coding change: c.1179A>C on transcript NM_001368894.2 (MANE Select); coding-DNA position 1179, A replaced by C.
Protein change: p.Thr393=; no amino-acid change (threonine 393 retained).
Molecular consequence: synonymous variant. On other transcripts: non-coding transcript variant (1), intron variant (9).
Genome position (GRCh38, 1-based): chr11:31,790,756, T>G on the plus strand (A>C on the coding strand, the complement: PAX6 is on the minus strand). VCF-style: chr11-31790756-T-G. GRCh37 (hg19) VCF-style: chr11-31812304-T-G.
Other names: c.1137A>C (NM_000280.3); c.1137A>C, p.Thr379= (NM_000280.6, NM_001127612.3, NM_001258464.2 and 6 more transcripts); c.1179A>C, p.Thr393= (NM_001258462.3, NM_001258463.2, NM_001310158.2 and 3 more transcripts); c.729A>C, p.Thr243= (NM_001310160.2, NM_001310161.3, NM_001368899.2 and 10 more transcripts); c.1380A>C, p.Thr460= (NM_001368910.2); c.1254A>C, p.Thr418= (NM_001368918.2, NM_001368919.2); c.1212A>C, p.Thr404= (NM_001368920.2); c.978A>C, p.Thr326= (NM_001368922.2, NM_001368923.2, NM_001368924.2 and 3 more transcripts); and 7 more.
Identifiers: ClinVar variation 290049 (VCV000290049.26), dbSNP rs143477661, ClinGen allele CA5933672.

ClinVar aggregate classification (germline): Conflicting classifications of pathogenicity. Review status: criteria provided, conflicting classifications (1 of 4 stars). 12 submissions from 7 submitters: Uncertain significance (2); Benign (4); Likely benign (4). 2 of the submissions do not count toward it. Last evaluated 2026-01-19.

Conditions:
Aniridia 1 (AN1). Identifiers: Orphanet 250923, MedGen C0344542, MONDO:0024507, OMIM 106210.
Irido-corneo-trabecular dysgenesis (ASGD5). Also called: ANTERIOR SEGMENT DYSGENESIS 5. Identifiers: Orphanet 708, MedGen C0344559, MONDO:0011414, OMIM 604229, HP:0000659.
Autosomal dominant keratitis. Also called: Keratitis, hereditary. Identifiers: Orphanet 2334, MedGen C1835698, MONDO:0007848, OMIM 148190.
Anophthalmia-microphthalmia syndrome. Also called: Anophthalmia/Microphthalmia; Anophthalmia - microphthalmia. Identifiers: Orphanet 98555, MedGen C5680330, MONDO:0020147.
Foveal hypoplasia 1. Also called: FOVEAL HYPOPLASIA 1 WITH OR WITHOUT ANTERIOR SEGMENT ANOMALIES AND/OR CATARACT; FOVEAL HYPOPLASIA 1 WITH ANTERIOR SEGMENT ANOMALIES. Identifiers: Orphanet 2253, MedGen C3805604, MONDO:0007628, OMIM 136520.
carboxymethyl-dextran-A2-gadolinium-DOTA.
11p partial monosomy syndrome (WAGR). Also called: WAGR Complex; WAGR Spectrum Disorder; CHROMOSOME 11p13 DELETION SYNDROME; WAGR syndrome. Identifiers: Orphanet 893, MedGen C0206115, MONDO:0008681, OMIM 194072.

Allele frequency attached by ClinVar (database versions not stated): 1000 Genomes Project 30x 0.00016; 1000 Genomes Project 0.00020; gnomAD 0.00038; TOPMed 0.00042; ESP Exome Variant Server 0.00092.
gnomAD v4.1: 1,180 of 1,614,128 alleles (0.073%); highest among the groups gnomAD compares: Non-Finnish European, 0.094%; 1 homozygote.

Submissions (12):

Labcorp Genetics (formerly Invitae), Labcorp
Classification: Likely benign for Aniridia 1; Irido-corneo-trabecular dysgenesis. Last evaluated: 2026-01-19. Review status: criteria provided, single submitter. Criteria: Invitae Variant Classification Sherloc (09022015). Collection method: clinical testing. Allele origin: germline.

Blueprint Genetics
Classification: Likely benign. Last evaluated: 2024-08-22. Review status: criteria provided, single submitter. Criteria: ACMG Guidelines, 2015. Collection method: clinical testing. Allele origin: germline.

Illumina Laboratory Services, Illumina
Classification: Uncertain significance for Anophthalmia-microphthalmia syndrome. Last evaluated: 2018-01-13. Review status: criteria provided, single submitter. Criteria: ICSL Variant Classification Criteria 13 December 2019. Collection method: clinical testing. Allele origin: germline.

Illumina Laboratory Services, Illumina
Classification: Likely benign for carboxymethyl-dextran-A2-gadolinium-DOTA. Last evaluated: 2018-01-13. Review status: criteria provided, single submitter. Criteria: ICSL Variant Classification Criteria 13 December 2019. Collection method: clinical testing. Allele origin: germline.
Comment: This variant was observed in the ICSL laboratory as part of a predisposition screen in an ostensibly healthy population. It had not been previously curated by ICSL or reported in the Human Gene Mutation Database (HGMD: prior to June 1st, 2018), and was therefore a candidate for classification through an automated scoring system. Utilizing variant allele frequency, disease prevalence and penetrance estimates, and inheritance mode, an automated score was calculated to assess if this variant is too frequent to cause the disease. Based on the score and internal cut-off values, a variant classified as likely benign is not then subjected to further curation. The score for this variant resulted in a classification of likely benign for this disease.

Illumina Laboratory Services, Illumina
Classification: Benign for Autosomal dominant keratitis. Last evaluated: 2018-01-13. Review status: criteria provided, single submitter. Criteria: ICSL Variant Classification Criteria 13 December 2019. Collection method: clinical testing. Allele origin: germline.
Comment: This variant was observed in the ICSL laboratory as part of a predisposition screen in an ostensibly healthy population. It had not been previously curated by ICSL or reported in the Human Gene Mutation Database (HGMD: prior to June 1st, 2018), and was therefore a candidate for classification through an automated scoring system. Utilizing variant allele frequency, disease prevalence and penetrance estimates, and inheritance mode, an automated score was calculated to assess if this variant is too frequent to cause the disease. Based on the score and internal cut-off values, a variant classified as benign is not then subjected to further curation. The score for this variant resulted in a classification of benign for this disease.

Illumina Laboratory Services, Illumina
Classification: Benign for Foveal hypoplasia 1. Last evaluated: 2018-01-13. Review status: criteria provided, single submitter. Criteria: ICSL Variant Classification Criteria 13 December 2019. Collection method: clinical testing. Allele origin: germline.
Comment: the same text as in the submission from Illumina Laboratory Services, Illumina above.

Illumina Laboratory Services, Illumina
Classification: Benign for Wilms tumor, aniridia, genitourinary anomalies, and mental retardation syndrome. Last evaluated: 2018-01-13. Review status: criteria provided, single submitter. Criteria: ICSL Variant Classification Criteria 13 December 2019. Collection method: clinical testing. Allele origin: germline.
Comment: the same text as in the submission from Illumina Laboratory Services, Illumina above.

Illumina Laboratory Services, Illumina
Classification: Likely benign for Aniridia 1. Last evaluated: 2018-01-13. Review status: criteria provided, single submitter. Criteria: ICSL Variant Classification Criteria 13 December 2019. Collection method: clinical testing. Allele origin: germline.
Comment: the same text as in the submission from Illumina Laboratory Services, Illumina above.

Eurofins Ntd Llc (ga)
Classification: Uncertain significance. Last evaluated: 2016-09-15. Review status: criteria provided, single submitter. Criteria: EGL Classification Definitions 2015. Collection method: clinical testing. Allele origin: germline. Observed: 1 variant allele, 1 heterozygote.

GeneDx
Classification: Benign. Last evaluated: 2015-03-03. Review status: criteria provided, single submitter. Criteria: GeneDx Variant Classification Process June 2021. Collection method: clinical testing. Allele origin: germline. Affected: yes.

Clinical Genetics DNA and cytogenetics Diagnostics Lab, Erasmus MC, Erasmus Medical Center
Classification: Likely benign. Review status: no assertion criteria provided. Collection method: clinical testing. Allele origin: germline. Affected: yes. Study: VKGL Data-share Consensus. Not counted in ClinVar's aggregate classification.

Laboratory of Diagnostic Genome Analysis, Leiden University Medical Center (LUMC)
Classification: Likely benign. Review status: no assertion criteria provided. Collection method: clinical testing. Allele origin: germline. Affected: yes. Study: VKGL Data-share Consensus. Not counted in ClinVar's aggregate classification.